The following is an entry in ClinVar:

ClinVar aggregate classification (germline): Benign (0 of 4 stars; one submission).

Conditions:
SCRIB-related disorder. Also called: SCRIB-related condition.

Allele frequency attached by ClinVar (database versions not stated): gnomAD 0.00028; TOPMed 0.00034; ExAC 0.00063; 1000 Genomes Project 30x 0.00203; 1000 Genomes Project 0.00240.
gnomAD v4.1: 513 of 1,612,800 alleles (0.032%); highest among the groups gnomAD compares: East Asian, 1.1%; 4 homozygotes.

Submission:

PreventionGenetics, part of Exact Sciences
Classification: Benign for SCRIB-related condition. Last evaluated: 2019-08-09. Review status: no assertion criteria provided. Collection method: clinical testing. Allele origin: germline.
Comment: This variant is classified as benign based on ACMG/AMP sequence variant interpretation guidelines (Richards et al. 2015 PMID: 25741868, with internal and published modifications).

NM_182706.5(SCRIB):c.3067G>A (p.Asp1023Asn)

Gene: SCRIB (scribble planar cell polarity protein; minus strand). Cytogenetic location: 8q24.3.
Variant type: single nucleotide variant.
Coding change: c.3067G>A on transcript NM_182706.5 (MANE Select); coding-DNA position 3067, G replaced by A.
Protein change: p.Asp1023Asn; replaces aspartic acid 1023 with asparagine.
Molecular consequence: missense variant.
Genome position (GRCh38, 1-based): chr8:143,804,099, C>T on the plus strand (G>A on the coding strand, the complement: SCRIB is on the minus strand). VCF-style: chr8-143804099-C-T. GRCh37 (hg19) VCF-style: chr8-144886269-C-T.
Other names: c.3067G>A, p.Asp1023Asn (NM_015356.5); short protein forms D1023N.
Identifiers: ClinVar variation 3035766 (VCV003035766.2), dbSNP rs140972127, ClinGen allele CA4918867.